The following is an entry in ClinVar:

ClinVar aggregate classification (germline): Pathogenic. Review status: criteria provided, multiple submitters, no conflicts (2 of 4 stars). 5 submissions from 5 submitters: Pathogenic (4). 1 of the submissions does not count toward it. Last evaluated 2026-02-13.

Conditions:
Polymicrogyria, bilateral perisylvian, autosomal recessive (CDCBM14B). Also called: CORTICAL DYSPLASIA, COMPLEX, WITH OTHER BRAIN MALFORMATIONS 14B (BILATERAL PERISYLVIAN). Identifiers: MedGen C3810405, MONDO:0014333, OMIM 615752.
Bilateral frontoparietal polymicrogyria. Also called: CEREBELLAR ATAXIA WITH NEURONAL MIGRATION DEFECT; CORTICAL DYSPLASIA, COMPLEX, WITH OTHER BRAIN MALFORMATIONS 14A (BILATERAL FRONTOPARIETAL). Identifiers: Orphanet 101070, MedGen C1847352, MONDO:0011738, OMIM 606854.

Allele frequency attached by ClinVar (database versions not stated): ExAC 0.00001; TOPMed 0.00001.
gnomAD v4.1: 7 of 1,613,750 alleles (0.00043%); highest among the groups gnomAD compares: Admixed American, 0.0017%; no homozygotes.

Submissions (5):

OLLIN Analises Genomicas, OLLIN
Classification: Pathogenic for Bilateral frontoparietal polymicrogyria. Last evaluated: 2026-02-13. Review status: criteria provided, single submitter. Criteria: ACMG Guidelines 2015 PMID 25741868. Collection method: clinical testing. Allele origin: germline. Observed: 1 variant allele.
Comment: PVS1, PM2_P, PP1

Fulgent Genetics
Classification: Pathogenic for Bilateral frontoparietal polymicrogyria; Polymicrogyria, bilateral perisylvian, autosomal recessive. Last evaluated: 2024-03-05. Review status: criteria provided, single submitter. Criteria: ACMG Guidelines, 2015. Collection method: clinical testing. Allele origin: germline.

Labcorp Genetics (formerly Invitae), Labcorp
Classification: Pathogenic. Last evaluated: 2023-12-30. Review status: criteria provided, single submitter. Criteria: Invitae Variant Classification Sherloc (09022015). Collection method: clinical testing. Allele origin: germline.
Comment: This sequence change creates a premature translational stop signal (p.Arg271*) in the ADGRG1 gene. It is expected to result in an absent or disrupted protein product. Loss-of-function variants in ADGRG1 are known to be pathogenic (PMID: 15044805, 20929962). This variant is present in population databases (rs768441855, gnomAD 0.003%). This premature translational stop signal has been observed in individuals with bilateral frontoparietal polymicrogyria (PMID: 25642806, 30511534). It has also been observed to segregate with disease in related individuals. ClinVar contains an entry for this variant (Variation ID: 620113). For these reasons, this variant has been classified as Pathogenic.

GeneDx
Classification: Pathogenic. Last evaluated: 2023-09-05. Review status: criteria provided, single submitter. Criteria: GeneDx Variant Classification Process June 2021. Collection method: clinical testing. Allele origin: germline. Affected: yes.
Comment: Nonsense variant predicted to result in protein truncation or nonsense mediated decay in a gene for which loss of function is a known mechanism of disease; Not observed at significant frequency in large population cohorts (gnomAD); This variant is associated with the following publications: (PMID: 30511534, 25642806)

OMIM
Classification: Pathogenic for CORTICAL DYSPLASIA, COMPLEX, WITH OTHER BRAIN MALFORMATIONS 14A (BILATERAL FRONTOPARIETAL). Last evaluated: 2024-06-06. Review status: no assertion criteria provided. Collection method: literature only. Allele origin: germline. Not counted in ClinVar's aggregate classification.

Literature cited by the submitters: PubMed 15044805 (cited by Labcorp Genetics (formerly Invitae), Labcorp); PubMed 20929962 (cited by Labcorp Genetics (formerly Invitae), Labcorp); PubMed 25642806 (cited by Labcorp Genetics (formerly Invitae), Labcorp and OMIM); PubMed 30511534 (cited by Labcorp Genetics (formerly Invitae), Labcorp).

NM_201525.4(ADGRG1):c.811C>T (p.Arg271Ter)

Gene: ADGRG1 (adhesion G protein-coupled receptor G1; plus strand). Cytogenetic location: 16q21.
Variant type: single nucleotide variant.
Coding change: c.811C>T on transcript NM_201525.4 (MANE Select); coding-DNA position 811, C replaced by T.
Protein change: p.Arg271Ter; replaces arginine 271 with a stop codon.
Molecular consequence: nonsense.
Genome position (GRCh38, 1-based): chr16:57,655,441, C>T. VCF-style: chr16-57655441-C-T. GRCh37 (hg19) VCF-style: chr16-57689353-C-T.
Other names: c.811C>T, p.Arg271Ter (NM_001145770.3, NM_001145771.3, NM_001145772.3 and 16 more transcripts); c.826C>T, p.Arg276Ter (NM_001145773.3, NM_001370433.1); c.301C>T, p.Arg101Ter (NM_001290142.2); c.286C>T, p.Arg96Ter (NM_001290143.2, NM_001290144.2, NM_001370451.1 and 2 more transcripts); c.655C>T, p.Arg219Ter (NM_001370442.1); short protein forms R271*, R101*, R96*, R219*, R276*.
Identifiers: ClinVar variation 620113 (VCV000620113.16), dbSNP rs768441855, ClinGen allele CA8078539.
Genomic context (GRCh38, chr16:57,655,441, plus strand): 5'-CTAAAGGGACCTCTGCAGGAGGAGCAGAGCGAGATCATGGAGTACTCGGTGCTGCTGCCT[C>T]GAACACTCTTCCAGAGGACGAAAGGCCGGAGCGGGGAGGCTGAGAAGAGACTCCTCCTGG-3'